The following is an entry in ClinVar:

ClinVar aggregate classification (germline): Uncertain significance (1 of 4 stars; one submission).

Conditions:
Very long chain acyl-CoA dehydrogenase deficiency (ACADVLD). Also called: Very Long-Chain Acyl-Coenzyme A Dehydrogenase Deficiency; VLCAD Deficiency. Identifiers: Orphanet 26793, MedGen C3887523, MONDO:0008723, OMIM 201475.

Submission:

Wong Mito Lab, Molecular and Human Genetics, Baylor College of Medicine
Classification: Uncertain significance for Very long chain acyl-CoA dehydrogenase deficiency. Last evaluated: 2019-11-01. Review status: criteria provided, single submitter. Criteria: ACMG Guidelines, 2015. Collection method: clinical testing. Allele origin: germline.
Comment: The NM_000018.3:c.650C>T (NP_000009.1:p.Thr217Ile) [GRCH38: NC_000017.11:g.7221979C>T] variant in ACADVL gene is interpretated to be Uncertain Significance based on ACMG guidelines (PMID: 25741868). This variant has been reported. This variant meets the following evidence codes reported in the ACMG guidelines: PP3

NM_000018.4(ACADVL):c.650C>T (p.Thr217Ile)

Gene: ACADVL (acyl-CoA dehydrogenase very long chain; plus strand). Cytogenetic location: 17p13.1.
Variant type: single nucleotide variant.
Coding change: c.650C>T on transcript NM_000018.4 (MANE Select); coding-DNA position 650, C replaced by T.
Protein change: p.Thr217Ile; replaces threonine 217 with isoleucine.
Molecular consequence: missense variant.
Genome position (GRCh38, 1-based): chr17:7,221,979, C>T. VCF-style: chr17-7221979-C-T. GRCh37 (hg19) VCF-style: chr17-7125298-C-T.
Other names: c.584C>T, p.Thr195Ile (NM_001033859.3); c.719C>T, p.Thr240Ile (NM_001270447.2); c.422C>T, p.Thr141Ile (NM_001270448.2); short protein forms T195I, T217I, T240I, T141I.
Identifiers: ClinVar variation 932797 (VCV000932797.2), dbSNP rs2071252808, ClinGen allele CA397723392.